The following is an entry in ClinVar:

ClinVar aggregate classification (germline): Uncertain significance (1 of 4 stars; one submission).

Submission:

Labcorp Genetics (formerly Invitae), Labcorp
Classification: Uncertain significance. Last evaluated: 2021-07-26. Review status: criteria provided, single submitter. Criteria: Invitae Variant Classification Sherloc (09022015). Collection method: clinical testing. Allele origin: germline.
Comment: In summary, the available evidence is currently insufficient to determine the role of this variant in disease. Therefore, it has been classified as a Variant of Uncertain Significance. Algorithms developed to predict the effect of missense changes on protein structure and function are either unavailable or do not agree on the potential impact of this missense change (SIFT: "Tolerated"; PolyPhen-2: "Not Available"; Align-GVGD: "Class C0"). This variant has not been reported in the literature in individuals affected with POLE-related conditions. The frequency data for this variant in the population databases is considered unreliable, as metrics indicate insufficient coverage at this position in the ExAC database. This sequence change replaces arginine with glycine at codon 10 of the POLE protein (p.Arg10Gly). The arginine residue is weakly conserved and there is a moderate physicochemical difference between arginine and glycine.

NM_006231.4(POLE):c.28C>G (p.Arg10Gly)

Genes: POLE (DNA polymerase epsilon, catalytic subunit; minus strand), LOC130009266 (ATAC-STARR-seq lymphoblastoid silent region 5123; plus strand). Cytogenetic location: 12q24.33.
Variant type: single nucleotide variant.
Coding change: c.28C>G on transcript NM_006231.4 (MANE Select); coding-DNA position 28, C replaced by G.
Protein change: p.Arg10Gly; replaces arginine 10 with glycine.
Molecular consequence: missense variant.
Genome position (GRCh38, 1-based): chr12:132,687,288, G>C on the plus strand (C>G on the coding strand, the complement: POLE is on the minus strand). VCF-style: chr12-132687288-G-C. GRCh37 (hg19) VCF-style: chr12-133263874-G-C.
Other names: short protein forms R10G.
Identifiers: ClinVar variation 1369929 (VCV001369929.8), dbSNP rs1245695191, ClinGen allele CA387373454.